The following is an entry in ClinVar:

ClinVar aggregate classification (germline): Uncertain significance (1 of 4 stars; one submission).

Conditions:
Nemaline myopathy 2 (NEM2). Also called: Nemaline myopathy 2, autosomal recessive. Identifiers: MedGen C1850569, MONDO:0009725, OMIM 256030.

Allele frequency attached by ClinVar (database versions not stated): gnomAD exomes below 0.00001; ExAC 0.00001.
gnomAD v4.1: 4 of 1,609,038 alleles (0.00025%); highest among the groups gnomAD compares: Admixed American, 0.0017%; no homozygotes.

Submission:

Labcorp Genetics (formerly Invitae), Labcorp
Classification: Uncertain significance for Nemaline myopathy 2. Last evaluated: 2021-11-09. Review status: criteria provided, single submitter. Criteria: Invitae Variant Classification Sherloc (09022015). Collection method: clinical testing. Allele origin: germline.
Comment: This sequence change replaces arginine, which is basic and polar, with leucine, which is neutral and non-polar, at codon 8430 of the NEB protein (p.Arg8430Leu). The frequency data for this variant in the population databases is considered unreliable, as metrics indicate poor data quality at this position in the gnomAD database. This variant has not been reported in the literature in individuals affected with NEB-related conditions. Algorithms developed to predict the effect of missense changes on protein structure and function are either unavailable or do not agree on the potential impact of this missense change (SIFT: "Deleterious"; PolyPhen-2: "Not Available"; Align-GVGD: "Class C0"). In summary, the available evidence is currently insufficient to determine the role of this variant in disease. Therefore, it has been classified as a Variant of Uncertain Significance.

NM_001164508.2(NEB):c.25184G>T (p.Arg8395Leu)

Genes: NEB (nebulin; minus strand), RIF1 (replication timing regulatory factor 1; plus strand). Cytogenetic location: 2q23.3.
Variant type: single nucleotide variant.
Coding change: c.25184G>T on transcript NM_001164508.2 (MANE Select); coding-DNA position 25184, G replaced by T.
Protein change: p.Arg8395Leu; replaces arginine 8395 with leucine.
Molecular consequence: missense variant.
Genome position (GRCh38, 1-based): chr2:151,490,485, C>A on the plus strand (G>T on the coding strand, the complement: NEB is on the minus strand). VCF-style: chr2-151490485-C-A. GRCh37 (hg19) VCF-style: chr2-152346999-C-A.
Other names: c.25184G>T, p.Arg8395Leu (NM_001164507.2); c.25289G>T, p.Arg8430Leu (NM_001271208.2); c.19616G>T, p.Arg6539Leu (NM_004543.5); short protein forms R6539L, R8395L, R8430L.
Identifiers: ClinVar variation 1399043 (VCV001399043.3), dbSNP rs779983347, ClinGen allele CA1905783.